The following is an entry in ClinVar:

NM_001161352.2(KCNMA1):c.13GGC[4] (p.Gly9_Gly10del)

Gene: KCNMA1 (potassium calcium-activated channel subfamily M alpha 1; minus strand). Cytogenetic location: 10q22.3.
Variant type: Microsatellite.
Coding change: c.13GGC[4] on transcript NM_001161352.2 (MANE Select); four copies in a row of the 3-base unit GGC starting at c.13; the reference has six copies in a row; two copies, 6 bases deleted.
Protein change: p.Gly9_Gly10del.
Molecular consequence: inframe deletion.
Genome position (GRCh38, 1-based): chr10:77,637,613-77,637,618, GCCGCC deleted on the plus strand (GGCGGC on the coding strand, the reverse complement: KCNMA1 is on the minus strand); deleting any 6 consecutive bases within chr10:77,637,613-77,637,630 gives the same sequence; the position shown is the placement nearest the transcript's 3' end. VCF-style (leftmost placement, unchanged base first): chr10-77637612-TGCCGCC-T. GRCh37 (hg19) VCF-style: chr10-79397370-TGCCGCC-T.
Other names: c.13GGC[4], p.Gly9_Gly10del (NM_001014797.3, NM_001161353.2, NM_001271518.2 and 12 more transcripts).
Identifiers: ClinVar variation 1060302 (VCV001060302.9), dbSNP rs750804948, ClinGen allele CA2497300129.

ClinVar aggregate classification (germline): Uncertain significance (1 of 4 stars; one submission).

Conditions:
Generalized epilepsy-paroxysmal dyskinesia syndrome (PNKD3). Also called: Paroxysmal nonkinesigenic dyskinesia, 3, with or without generalized epilepsy; Generalized epilepsy and paroxysmal dyskinesia. Identifiers: Orphanet 79137, MedGen C5574945, MONDO:0012276, OMIM 609446.

Submission:

Labcorp Genetics (formerly Invitae), Labcorp
Classification: Uncertain significance for Generalized epilepsy-paroxysmal dyskinesia syndrome. Last evaluated: 2023-09-08. Review status: criteria provided, single submitter. Criteria: Invitae Variant Classification Sherloc (09022015). Collection method: clinical testing. Allele origin: germline.
Comment: This variant, c.25_30del, results in the deletion of 2 amino acid(s) of the KCNMA1 protein (p.Gly9_Gly10del), but otherwise preserves the integrity of the reading frame. In summary, the available evidence is currently insufficient to determine the role of this variant in disease. Therefore, it has been classified as a Variant of Uncertain Significance. Experimental studies and prediction algorithms are not available or were not evaluated, and the functional significance of this variant is currently unknown. This variant has not been reported in the literature in individuals affected with KCNMA1-related conditions. This variant is not present in population databases (gnomAD no frequency).